The following is an entry in ClinVar:

NM_007078.3(LDB3):c.541C>T (p.Leu181Phe)

Gene: LDB3 (LIM domain binding 3; plus strand). Cytogenetic location: 10q23.2.
Variant type: single nucleotide variant.
Coding change: c.541C>T on transcript NM_007078.3 (MANE Select); coding-DNA position 541, C replaced by T.
Protein change: p.Leu181Phe; replaces leucine 181 with phenylalanine.
Molecular consequence: missense variant. On other transcripts: intron variant (5).
Genome position (GRCh38, 1-based): chr10:86,681,655, C>T. VCF-style: chr10-86681655-C-T. GRCh37 (hg19) VCF-style: chr10-88441412-C-T.
Other names: c.321+1498C>T (NM_001080116.1, NM_001368068.1, NM_001368066.1 and 2 more transcripts); c.541C>T, p.Leu181Phe (NM_001080115.2, NM_001171610.2, NM_001171611.2 and 3 more transcripts); c.541C>T (NM_007078.2); short protein forms L181F.
Identifiers: ClinVar variation 795734 (VCV000795734.12), dbSNP rs1589623326, ClinGen allele CA377454502.
Genomic context (GRCh38, chr10:86,681,655, plus strand): 5'-CCTGGCCCTCCGCGGGCCAGCCTGAGGGCCAAGACCAGCCCAGAGGGGGCCCGGGACCTA[C>T]TCGGCCCAAAAGCCCTGCCGGGCTCGAGCCAGCCGAGGCAATATAACAACCCCATTGGCC-3'
Protein context (NP_009009.1, residues 171-191): KTSPEGARDL[Leu181Phe]GPKALPGSSQ

ClinVar aggregate classification (germline): Uncertain significance. Review status: criteria provided, multiple submitters, no conflicts (2 of 4 stars). 2 submissions from 2 submitters: Uncertain significance (2). Last evaluated 2023-05-23.

Conditions:
Cardiovascular phenotype. Identifiers: MedGen CN230736.
Myofibrillar myopathy 4. Also called: Zaspopathy (type). Identifiers: Orphanet 98912, MedGen C4721886, MONDO:0012277, OMIM 609452.

Allele frequency attached by ClinVar (database versions not stated): gnomAD exomes below 0.00001.
gnomAD v4.1: 2 of 1,613,290 alleles (0.00012%); highest among the groups gnomAD compares: Non-Finnish European, 0.00017%; no homozygotes.

Submissions (2):

Labcorp Genetics (formerly Invitae), Labcorp
Classification: Uncertain significance for Myofibrillar myopathy 4. Last evaluated: 2023-05-23. Review status: criteria provided, single submitter. Criteria: Invitae Variant Classification Sherloc (09022015). Collection method: clinical testing. Allele origin: germline.
Comment: In summary, the available evidence is currently insufficient to determine the role of this variant in disease. Therefore, it has been classified as a Variant of Uncertain Significance. Algorithms developed to predict the effect of sequence changes on RNA splicing suggest that this variant is not likely to affect RNA splicing. Experimental studies and prediction algorithms are not available or were not evaluated, and the functional significance of this variant is currently unknown. ClinVar contains an entry for this variant (Variation ID: 795734). This variant has not been reported in the literature in individuals affected with LDB3-related conditions. This variant is not present in population databases (gnomAD no frequency). This sequence change replaces leucine, which is neutral and non-polar, with phenylalanine, which is neutral and non-polar, at codon 181 of the LDB3 protein (p.Leu181Phe). The LDB3 gene has multiple clinically relevant transcripts. This variant occurs in alternate transcript NM_007078.3, and corresponds to NM_001080116.1:c.321+1498C>T in the primary transcript.

Ambry Genetics
Classification: Uncertain significance for Cardiovascular phenotype. Last evaluated: 2021-10-06. Review status: criteria provided, single submitter. Criteria: Ambry Variant Classification Scheme 2023. Collection method: clinical testing. Allele origin: germline.
Comment: The p.L181F variant (also known as c.541C>T), located in coding exon 4 of the LDB3 gene, results from a C to T substitution at nucleotide position 541. The leucine at codon 181 is replaced by phenylalanine, an amino acid with highly similar properties. This amino acid position is conserved. In addition, this alteration is predicted to be tolerated by in silico analysis. Since supporting evidence is limited at this time, the clinical significance of this alteration remains unclear.